The following is an entry in ClinVar:

NM_001044.5(SLC6A3):c.580C>T (p.Pro194Ser)

Gene: SLC6A3 (solute carrier family 6 member 3). Cytogenetic location: 5p15.33.
Variant type: single nucleotide variant.
Coding change: c.580C>T on transcript NM_001044.5 (MANE Select); coding-DNA position 580, C replaced by T.
Protein change: p.Pro194Ser; replaces proline 194 with serine.
Molecular consequence: missense variant.
Genome position (GRCh38, 1-based): chr5:1,432,537, G>A on the plus strand (C>T on the coding strand, the complement: SLC6A3 is on the minus strand). VCF-style: chr5-1432537-G-A. GRCh37 (hg19) VCF-style: chr5-1432652-G-A.
Other names: short protein forms P194S.
Identifiers: ClinVar variation 1408732 (VCV001408732.6), dbSNP rs756042082, ClinGen allele CA3186341.

ClinVar aggregate classification (germline): Uncertain significance. Review status: criteria provided, multiple submitters, no conflicts (2 of 4 stars). 2 submissions from 2 submitters: Uncertain significance (2). Last evaluated 2022-07-21.

Conditions:
Parkinsonism-dystonia, infantile. Identifiers: Orphanet 238455, MedGen C2751067, MONDO:0013150.
Tobacco addiction, susceptibility to. Also called: CIGARETTE HABITUATION, SUSCEPTIBILITY TO. Identifiers: MedGen C1861063, MONDO:0100460, OMIM 188890.
Classic dopamine transporter deficiency syndrome (PKDYS1). Also called: DOPAMINE TRANSPORTER DEFICIENCY SYNDROME; Parkinsonism-dystonia, infantile, 1. Identifiers: Orphanet 238455, MedGen C5700336, MONDO:0054835, OMIM 613135.

Allele frequency attached by ClinVar (database versions not stated): TOPMed 0.00001; ExAC 0.00002; gnomAD 0.00003 and 0.00004; gnomAD exomes 0.00004.

Submissions (2):

Labcorp Genetics (formerly Invitae), Labcorp
Classification: Uncertain significance for Parkinsonism-dystonia, infantile. Last evaluated: 2022-07-21. Review status: criteria provided, single submitter. Criteria: Invitae Variant Classification Sherloc (09022015). Collection method: clinical testing. Allele origin: germline.
Comment: This sequence change replaces proline, which is neutral and non-polar, with serine, which is neutral and polar, at codon 194 of the SLC6A3 protein (p.Pro194Ser). This variant is present in population databases (rs756042082, gnomAD 0.008%). This variant has not been reported in the literature in individuals affected with SLC6A3-related conditions. ClinVar contains an entry for this variant (Variation ID: 1408732). Algorithms developed to predict the effect of missense changes on protein structure and function output the following: SIFT: "Tolerated"; PolyPhen-2: "Benign"; Align-GVGD: "Class C0". The serine amino acid residue is found in multiple mammalian species, which suggests that this missense change does not adversely affect protein function. In summary, the available evidence is currently insufficient to determine the role of this variant in disease. Therefore, it has been classified as a Variant of Uncertain Significance.

Fulgent Genetics
Classification: Uncertain significance for Tobacco addiction, susceptibility to; Classic dopamine transporter deficiency syndrome. Last evaluated: 2021-09-15. Review status: criteria provided, single submitter. Criteria: ACMG Guidelines, 2015. Collection method: clinical testing. Allele origin: unknown.